The following is an entry in ClinVar:

ClinVar aggregate classification (germline): Uncertain significance (1 of 4 stars; one submission).

Allele frequency attached by ClinVar (database versions not stated): gnomAD exomes below 0.00001.
gnomAD v4.1: 1 of 1,613,738 alleles (0.000062%); highest among the groups gnomAD compares: African/African-American, 0.0013%; no homozygotes.

Submission:

Labcorp Genetics (formerly Invitae), Labcorp
Classification: Uncertain significance. Last evaluated: 2022-05-20. Review status: criteria provided, single submitter. Criteria: Invitae Variant Classification Sherloc (09022015). Collection method: clinical testing. Allele origin: germline.
Comment: This sequence change replaces serine, which is neutral and polar, with phenylalanine, which is neutral and non-polar, at codon 1920 of the COL7A1 protein (p.Ser1920Phe). This variant is not present in population databases (gnomAD no frequency). This variant has not been reported in the literature in individuals affected with COL7A1-related conditions. Advanced modeling of protein sequence and biophysical properties (such as structural, functional, and spatial information, amino acid conservation, physicochemical variation, residue mobility, and thermodynamic stability) performed at Invitae indicates that this missense variant is not expected to disrupt COL7A1 protein function. In summary, the available evidence is currently insufficient to determine the role of this variant in disease. Therefore, it has been classified as a Variant of Uncertain Significance.

NM_000094.4(COL7A1):c.5759C>T (p.Ser1920Phe)

Gene: COL7A1 (collagen type VII alpha 1 chain; minus strand). Cytogenetic location: 3p21.31.
Variant type: single nucleotide variant.
Coding change: c.5759C>T on transcript NM_000094.4 (MANE Select); coding-DNA position 5759, C replaced by T.
Protein change: p.Ser1920Phe; replaces serine 1920 with phenylalanine.
Molecular consequence: missense variant.
Genome position (GRCh38, 1-based): chr3:48,576,413, G>A on the plus strand (C>T on the coding strand, the complement: COL7A1 is on the minus strand). VCF-style: chr3-48576413-G-A. GRCh37 (hg19) VCF-style: chr3-48613846-G-A.
Other names: short protein forms S1920F.
Identifiers: ClinVar variation 1907348 (VCV001907348.2), dbSNP rs2530995477, ClinGen allele CA352666503.